The following is an entry in ClinVar:

NM_025099.6(CTC1):c.1766G>T (p.Arg589Leu)

Gene: CTC1 (CST telomere replication complex component 1; minus strand). Cytogenetic location: 17p13.1.
Variant type: single nucleotide variant.
Coding change: c.1766G>T on transcript NM_025099.6 (MANE Select); coding-DNA position 1766, G replaced by T.
Protein change: p.Arg589Leu; replaces arginine 589 with leucine.
Molecular consequence: missense variant. On other transcripts: non-coding transcript variant (1).
Genome position (GRCh38, 1-based): chr17:8,234,507, C>A on the plus strand (G>T on the coding strand, the complement: CTC1 is on the minus strand). VCF-style: chr17-8234507-C-A. GRCh37 (hg19) VCF-style: chr17-8137825-C-A.
Other names: p.Arg589Leu; c.1766G>T, p.Arg589Leu (NM_001411067.1); short protein forms R589L.
Identifiers: ClinVar variation 2064984 (VCV002064984.4), dbSNP rs771224545, ClinGen allele CA8372260.

ClinVar aggregate classification (germline): Uncertain significance. Review status: criteria provided, multiple submitters, no conflicts (2 of 4 stars). 2 submissions from 2 submitters: Uncertain significance (2). Last evaluated 2025-05-21.

Conditions:
Dyskeratosis congenita. Identifiers: Orphanet 1775, MedGen C0265965, MONDO:0015780.

gnomAD v4.1: 30 of 1,554,670 alleles (0.0019%); highest among the groups gnomAD compares: East Asian, 0.0024%; no homozygotes.

Submissions (2):

Labcorp Genetics (formerly Invitae), Labcorp
Classification: Uncertain significance for Dyskeratosis congenita. Last evaluated: 2025-05-21. Review status: criteria provided, single submitter. Criteria: Invitae Variant Classification Sherloc (09022015). Collection method: clinical testing. Allele origin: germline.
Comment: This sequence change replaces arginine, which is basic and polar, with leucine, which is neutral and non-polar, at codon 589 of the CTC1 protein (p.Arg589Leu). The frequency data for this variant in the population databases is considered unreliable, as metrics indicate poor data quality at this position in the gnomAD database. This variant has not been reported in the literature in individuals affected with CTC1-related conditions. ClinVar contains an entry for this variant (Variation ID: 2064984). Invitae Evidence Modeling of protein sequence and biophysical properties (such as structural, functional, and spatial information, amino acid conservation, physicochemical variation, residue mobility, and thermodynamic stability) has been performed for this missense variant. However, the output from this modeling did not meet the statistical confidence thresholds required to predict the impact of this variant on CTC1 protein function. In summary, the available evidence is currently insufficient to determine the role of this variant in disease. Therefore, it has been classified as a Variant of Uncertain Significance.

Mayo Clinic Laboratories, Mayo Clinic
Classification: Uncertain significance. Last evaluated: 2025-05-01. Review status: criteria provided, single submitter. Criteria: ACMG Guidelines, 2015. Collection method: clinical testing. Allele origin: germline. Observed: 1 variant allele.
Comment: PM2_supporting